The following is an entry in ClinVar:

NM_001009944.3(PKD1):c.9109_9110del (p.Ser3037fs)

Gene: PKD1 (polycystin 1, transient receptor potential channel interacting; minus strand). Cytogenetic location: 16p13.3.
Variant type: Deletion.
Coding change: c.9109_9110del on transcript NM_001009944.3 (MANE Select); coding-DNA positions 9109 to 9110, 2 bases deleted (TC; older notation c.9109_9110delTC).
Protein change: p.Ser3037fs; shifts the reading frame from serine 3037.
Molecular consequence: frameshift variant.
Genome position (GRCh38, 1-based): chr16:2,102,472-2,102,473, GA deleted on the plus strand (TC on the coding strand, the reverse complement: PKD1 is on the minus strand); deleting any 2 consecutive bases within chr16:2,102,472-2,102,474 gives the same sequence; the c. name uses the placement nearest the transcript's 3' end. VCF-style (leftmost placement, unchanged base first): chr16-2102471-CGA-C. GRCh37 (hg19) VCF-style: chr16-2152472-CGA-C.
Other names: c.9109_9110del, p.Ser3037fs (NM_000296.4); short protein forms S3037fs.
Identifiers: ClinVar variation 4685008 (VCV004685008.1).

ClinVar aggregate classification (germline): Pathogenic (1 of 4 stars; one submission).

Conditions:
Polycystic kidney disease, adult type (PKD1). Also called: Polycystic Kidney, Autosomal Dominant; Polycystic Kidney Disease 1, Autosomal Dominant; Polycystic kidney disease 1; Polycystic kidney disease 1, severe; POLYCYSTIC KIDNEY DISEASE, ADULT, TYPE I; POLYCYSTIC KIDNEY DISEASE 1 WITH OR WITHOUT POLYCYSTIC LIVER DISEASE. Identifiers: MedGen C3149841, MONDO:0008263, OMIM 173900.

Submission:

Department of Human Genetics, Hannover Medical School
Classification: Pathogenic for Polycystic kidney disease, adult type. Last evaluated: 2026-01-14. Review status: criteria provided, single submitter. Criteria: ACMG Guidelines, 2015. Collection method: clinical testing. Allele origin: germline. Affected: yes.
Comment: PVS1, PM2_Supporting, PP4